The following is an entry in ClinVar:

ClinVar aggregate classification (germline): Likely benign. Review status: criteria provided, multiple submitters, no conflicts (2 of 4 stars). 2 submissions from 2 submitters: Likely benign (2). Last evaluated 2025-10-15.

Conditions:
Pheochromocytoma/paraganglioma syndrome 5. Also called: Paragangliomas 5; SDHA-Related Hereditary Paraganglioma-Pheochromocytoma Syndrome. Identifiers: Orphanet 29072, MedGen C3279992, MONDO:0013602, OMIM 614165.
Mitochondrial complex II deficiency, nuclear type 1. Also called: SUCCINATE CoQ REDUCTASE DEFICIENCY. Identifiers: Orphanet 3208, MedGen C5700310, MONDO:0100294, OMIM 252011.

Allele frequency attached by ClinVar (database versions not stated): gnomAD exomes below 0.00001.
gnomAD v4.1: 2 of 1,613,796 alleles (0.00012%); highest among the groups gnomAD compares: Non-Finnish European, 0.00017%; no homozygotes.

Submissions (2):

Labcorp Genetics (formerly Invitae), Labcorp
Classification: Likely benign for Pheochromocytoma/paraganglioma syndrome 5; Mitochondrial complex II deficiency, nuclear type 1. Last evaluated: 2025-10-15. Review status: criteria provided, single submitter. Criteria: Invitae Variant Classification Sherloc (09022015). Collection method: clinical testing. Allele origin: germline.

Myriad Genetics, Inc.
Classification: Likely benign for Pheochromocytoma/paraganglioma syndrome 5. Last evaluated: 2025-03-07. Review status: criteria provided, single submitter. Criteria: Myriad Autosomal Dominant, Autosomal Recessive and X-Linked Classification Criteria (2023). Collection method: clinical testing. Allele origin: unknown.
Comment: This variant is considered likely benign. This variant is intronic and is not expected to impact mRNA splicing.

NM_004168.4(SDHA):c.1064+9G>A

Gene: SDHA (succinate dehydrogenase complex flavoprotein subunit A; plus strand). Cytogenetic location: 5p15.33.
Variant type: single nucleotide variant.
Coding change: c.1064+9G>A on transcript NM_004168.4 (MANE Select); 9 bases into the intron after coding-DNA position 1064, G replaced by A.
Molecular consequence: intron variant.
Genome position (GRCh38, 1-based): chr5:233,654, G>A. VCF-style: chr5-233654-G-A. GRCh37 (hg19) VCF-style: chr5-233769-G-A.
Other names: c.1064+9G>A (NM_001330758.2); c.920+9G>A (NM_001294332.2).
Identifiers: ClinVar variation 2950644 (VCV002950644.4), dbSNP rs2477351235, ClinGen allele CA2578253058.